The following is an entry in ClinVar:

NM_000222.3(KIT):c.2307G>T (p.Leu769Phe)

Gene: KIT (KIT proto-oncogene, receptor tyrosine kinase; plus strand). Cytogenetic location: 4q12.
Variant type: single nucleotide variant.
Coding change: c.2307G>T on transcript NM_000222.3 (MANE Select); coding-DNA position 2307, G replaced by T.
Protein change: p.Leu769Phe; replaces leucine 769 with phenylalanine.
Molecular consequence: missense variant.
Genome position (GRCh38, 1-based): chr4:54,731,944, G>T. VCF-style: chr4-54731944-G-T. GRCh37 (hg19) VCF-style: chr4-55598110-G-T.
Other names: c.2295G>T, p.Leu765Phe (NM_001093772.2, NM_001385292.1); c.2310G>T, p.Leu770Phe (NM_001385284.1); c.2304G>T, p.Leu768Phe (NM_001385285.1); c.2292G>T, p.Leu764Phe (NM_001385286.1); c.2298G>T, p.Leu766Phe (NM_001385288.1); c.2307G>T, p.Leu769Phe (NM_001385290.1); short protein forms L769F, L770F, L765F, L766F, L764F, L768F.
Identifiers: ClinVar variation 3534730 (VCV003534730.2).

ClinVar aggregate classification (germline): Uncertain significance. Review status: criteria provided, multiple submitters, no conflicts (2 of 4 stars). 2 submissions from 2 submitters: Uncertain significance (2). Last evaluated 2024-11-09.

Conditions:
Hereditary cancer-predisposing syndrome. Also called: Tumor predisposition; Neoplastic Syndromes, Hereditary; Hereditary Cancer Syndrome; Hereditary neoplastic syndrome. Identifiers: Orphanet 140162, MedGen C0027672, MeSH D009386, MONDO:0015356.

Submissions (2):

Ambry Genetics
Classification: Uncertain significance for Hereditary cancer-predisposing syndrome. Last evaluated: 2024-11-09. Review status: criteria provided, single submitter. Criteria: Ambry Variant Classification Scheme 2023. Collection method: clinical testing. Allele origin: germline.
Comment: The p.L769F variant (also known as c.2307G>T), located in coding exon 16 of the KIT gene, results from a G to T substitution at nucleotide position 2307. The leucine at codon 769 is replaced by phenylalanine, an amino acid with highly similar properties. This amino acid position is conserved. In addition, this alteration is predicted to be deleterious by in silico analysis. Based on the available evidence, the clinical significance of this variant remains unclear.

Blueprint Genetics
Classification: Uncertain significance. Last evaluated: 2023-03-28. Review status: criteria provided, single submitter. Criteria: ACMG Guidelines, 2015. Collection method: clinical testing. Allele origin: germline.